The following is an entry in ClinVar:

NM_005591.4(MRE11):c.1926+4A>C

Gene: MRE11 (MRE11 double strand break repair nuclease; minus strand). Cytogenetic location: 11q21.
Variant type: single nucleotide variant.
Coding change: c.1926+4A>C on transcript NM_005591.4 (MANE Select); 4 bases into the intron after coding-DNA position 1926, A replaced by C.
Molecular consequence: intron variant.
Genome position (GRCh38, 1-based): chr11:94,437,173, T>G on the plus strand (A>C on the coding strand, the complement: MRE11 is on the minus strand). VCF-style: chr11-94437173-T-G. GRCh37 (hg19) VCF-style: chr11-94170339-T-G.
Other names: c.1923+4A>C (NM_001330347.2); c.1842+4A>C (NM_005590.4).
Identifiers: ClinVar variation 233121 (VCV000233121.11), dbSNP rs876660210, ClinGen allele CA10579361.
Genomic context (GRCh38, chr11:94,437,173, plus strand): 5'-TTGACAATTCATAATGCAGAAAACATAAATTATTAATACACAACCATAAAACTTTTTTTC[T>G]TACCTCTGAATAATTCTTAGTAGTGACATTTCGGGAAGGCTGCTGTCTTGTAGATTTAAA-3'

ClinVar aggregate classification (germline): Uncertain significance. Review status: criteria provided, multiple submitters, no conflicts (2 of 4 stars). 2 submissions from 2 submitters: Uncertain significance (2). Last evaluated 2025-11-04.

Conditions:
Hereditary cancer-predisposing syndrome. Also called: Neoplastic Syndromes, Hereditary; Tumor predisposition; Hereditary Cancer Syndrome; Hereditary neoplastic syndrome. Identifiers: Orphanet 140162, MedGen C0027672, MeSH D009386, MONDO:0015356.
Ataxia-telangiectasia-like disorder (ATLD). Identifiers: MedGen C1858391, MONDO:0011457.

gnomAD v4.1: 1 of 1,610,804 alleles (0.000062%); highest among the groups gnomAD compares: East Asian, 0.0022%; no homozygotes.

Submissions (2):

Labcorp Genetics (formerly Invitae), Labcorp
Classification: Uncertain significance for Ataxia-telangiectasia-like disorder. Last evaluated: 2025-11-04. Review status: criteria provided, single submitter. Criteria: Invitae Variant Classification Sherloc (09022015). Collection method: clinical testing. Allele origin: germline.
Comment: This sequence change falls in intron 17 of the MRE11 gene. It does not directly change the encoded amino acid sequence of the MRE11 protein. It affects a nucleotide within the consensus splice site. This variant is not present in population databases (gnomAD no frequency). This variant has not been reported in the literature in individuals affected with MRE11-related conditions. ClinVar contains an entry for this variant (Variation ID: 233121). Variants that disrupt the consensus splice site are a relatively common cause of aberrant splicing (PMID: 17576681, 9536098). Algorithms developed to predict the effect of sequence changes on RNA splicing suggest that this variant is not likely to affect RNA splicing. In summary, the available evidence is currently insufficient to determine the role of this variant in disease. Therefore, it has been classified as a Variant of Uncertain Significance.

Ambry Genetics
Classification: Uncertain significance for Hereditary cancer-predisposing syndrome. Last evaluated: 2018-09-19. Review status: criteria provided, single submitter. Criteria: Ambry Variant Classification Scheme 2023. Collection method: clinical testing. Allele origin: germline.
Comment: The c.1926+4A>C intronic variant results from an A to C substitution 4 nucleotides after coding exon 16 in the MRE11A gene. This nucleotide position is highly conserved in available vertebrate species. Using the BDGP and ESEfinder splice site prediction tools, this alteration is predicted to weaken the native splice donor site efficiency; however, direct evidence is unavailable. Since supporting evidence is limited at this time, the clinical significance of this alteration remains unclear.

Literature cited by the submitters: PubMed 17576681 (cited by Labcorp Genetics (formerly Invitae), Labcorp); PubMed 9536098 (cited by Labcorp Genetics (formerly Invitae), Labcorp).